The following continues an entry in ClinVar:

NM_004333.6(BRAF):c.1799T>A (p.Val600Glu)

Gene: BRAF. ClinVar aggregate classification (germline): Conflicting classifications of pathogenicity. Pathogenic (4); Likely pathogenic (1); Uncertain significance (1). ClinVar aggregate classification (somatic clinical impact): Tier I - Strong. ClinVar aggregate classification (oncogenicity): Oncogenic.

Submissions 15 to 25 of 45:

Institute for Genomic Medicine (IGM) Clinical Laboratory, Nationwide Children's Hospital
Classification: Tier II - Potential for Alveolar rhabdomyosarcoma. Assertion type: diagnostic. Clinical significance: supports diagnosis. Last evaluated: 2024-10-03. Review status: criteria provided, single submitter. Criteria: AMP/ASCO/CAP Guidelines, 2017. Collection method: clinical testing. Allele origin: somatic. Affected: yes. Not counted in ClinVar's aggregate classification.
Comment: Variant has Tier II (potential) clinical significance as a diagnostic inclusion criterion in alveolar rhabdomyosarcoma, based on the following evidence: 1) Documented in one or more cancer databases (e.g., St. Jude Pecan, COSMIC, CIViC, OncoKB). 2) Information in the literature supports potential biologic effect of variant (PMID: 17496922). 3) Diagnostic significance based on multiple small studies (Evidence Level C; PMIDs: 22142829, 12068308, 24436047).

Institute for Genomic Medicine (IGM) Clinical Laboratory, Nationwide Children's Hospital
Classification: Tier I - Strong for Diffuse low-grade glioma, MAPK pathway–altered. Assertion type: diagnostic. Clinical significance: supports diagnosis. Last evaluated: 2024-09-04. Review status: criteria provided, single submitter. Criteria: AMP/ASCO/CAP Guidelines, 2017. Collection method: clinical testing. Allele origin: somatic. Affected: yes.
Comment: Variant has Tier I (strong) clinical significance as a diagnostic inclusion criterion in diffuse low-grade glioma, MAPK pathway–altered, based on the following evidence: 1) Documented in one or more cancer databases (e.g., St. Jude Pecan, COSMIC, CIViC, OncoKB). 2) Appears in one or more well-established professional guidelines (e.g., World Health Organization [WHO]; National Comprehensive Cancer Network [NCCN]) as providing diagnostic, prognostic, or therapeutic information. 3) Diagnostic for a specific tumor type/classification according to professional guidelines (Evidence Level A).

Institute for Genomic Medicine (IGM) Clinical Laboratory, Nationwide Children's Hospital
Classification: Tier II - Potential for Embryonal rhabdomyosarcoma. Assertion type: diagnostic. Clinical significance: supports diagnosis. Last evaluated: 2024-08-08. Review status: criteria provided, single submitter. Criteria: AMP/ASCO/CAP Guidelines, 2017. Collection method: clinical testing. Allele origin: somatic. Affected: yes. Not counted in ClinVar's aggregate classification.
Comment: Variant has Tier II (potential) clinical significance as a diagnostic inclusion criterion in embryonal rhabdomyosarcoma, based on the following evidence: 1) Documented in one or more cancer databases (e.g., St. Jude Pecan, COSMIC, CIViC, OncoKB). 2) Information in the literature supports potential biologic effect of variant (PMID: 17496922). 3) Diagnostic significance based on multiple small studies (Evidence Level C; PMIDs: 22142829, 12068308, 24436047).

Institute for Genomic Medicine (IGM) Clinical Laboratory, Nationwide Children's Hospital
Classification: Tier I - Strong for Polymorphous low grade neuroepithelial tumor of the young. Assertion type: diagnostic. Clinical significance: supports diagnosis. Last evaluated: 2024-05-31. Review status: criteria provided, single submitter. Criteria: AMP/ASCO/CAP Guidelines, 2017. Collection method: clinical testing. Allele origin: somatic. Affected: yes.
Comment: Variant has Tier I (strong) clinical significance as a diagnostic inclusion criterion in polymorphous low grade neuroepithelial tumor of the young, based on the following evidence: 1) Documented in one or more cancer databases (e.g., St. Jude Pecan, COSMIC, CIViC, OncoKB). 2) Appears in one or more well-established professional guidelines (e.g., World Health Organization [WHO]; National Comprehensive Cancer Network [NCCN]) as providing diagnostic, prognostic, or therapeutic information. 3) Information in the literature supports potential biologic effect of variant (PMID: 17496922). 4) Diagnostic for a specific tumor type/classification according to professional guidelines (Evidence Level A; PMIDs: 27812792, 29701169, 30926558, 31520766, 31617914).

Institute for Genomic Medicine (IGM) Clinical Laboratory, Nationwide Children's Hospital
Classification: Tier II - Potential for Nodular ganglioneuroblastoma. Assertion type: diagnostic. Clinical significance: supports diagnosis. Last evaluated: 2024-03-20. Review status: criteria provided, single submitter. Criteria: AMP/ASCO/CAP Guidelines, 2017. Collection method: clinical testing. Allele origin: somatic. Affected: yes. Not counted in ClinVar's aggregate classification.
Comment: Variant has Tier II (potential) clinical significance as a diagnostic inclusion criterion in nodular ganglioneuroblastoma, based on the following evidence: 1) Documented in one or more cancer databases (e.g., St. Jude Pecan, COSMIC, CIViC, OncoKB). 2) Information in the literature supports potential biologic effect of variant (PMID: 17496922). 3) Diagnostic significance based on multiple small studies (Evidence Level C; PMIDs: 22142829, 26121087, 34331515).

Institute for Genomic Medicine (IGM) Clinical Laboratory, Nationwide Children's Hospital
Classification: Tier I - Strong for Diffuse leptomeningeal glioneuronal tumor. Assertion type: diagnostic. Clinical significance: supports diagnosis. Last evaluated: 2023-12-07. Review status: criteria provided, single submitter. Criteria: AMP/ASCO/CAP Guidelines, 2017. Collection method: clinical testing. Allele origin: somatic. Affected: yes.
Comment: Variant has Tier I (strong) clinical significance as a diagnostic inclusion criterion in diffuse leptomeningeal glioneuronal tumor, based on the following evidence: 1) Documented in one or more cancer databases (e.g., St. Jude Pecan, COSMIC, CIViC, OncoKB). 2) Appears in one or more well-established professional guidelines (e.g., World Health Organization [WHO]; National Comprehensive Cancer Network [NCCN]) as providing diagnostic, prognostic, or therapeutic information. 3) Information in the literature supports potential biologic effect of variant (PMID: 17496922). 4) Diagnostic for a specific tumor type/classification according to professional guidelines (Evidence Level A; PMIDs: 26994902, 32605662, 36382112).

Clinical Genomics Laboratory, Washington University in St. Louis
Classification: Pathogenic for Vascular malformation. Last evaluated: 2023-10-22. Review status: criteria provided, single submitter. Criteria: ACMG Guidelines, 2015. Collection method: clinical testing. Allele origin: somatic. Affected: yes.
Comment: The BRAF c.1799T>A (p.Val600Glu) variant was identified at an allelic fraction consistent with somatic origin. This variant is absent from the general population (gnomAD v.3.1.2), indicating it is not a common variant. This variant occurs in a highly conserved residue within the CR3 activation segment, amino acids 594-627, of BRAF that is defined as a critical functional domain (Wellbrock C, et al., PMID: 15520807; Gelb BD, et al., PMID: 29493581). The BRAF c.1799T>A (p.Val600Glu) variant in a somatic state has been reported in multiple individuals affected with sporadic vascular malformations, brain arteriovenous malformation (BAVM) and spinal arteriovenous malformation (SAVM) (Hong T, et al., PMID: 30544177; Al-Olabi L, et al., PMID: 29461977; Goss JA, et al., PMID: 31891627; Li H, et al., PMID: 34530633). The BRAF c.1799T>A (p.Val600Glu) variant has been reported in the ClinVar database as pathogenic by numerous submitters (ClinVar ID: 13961). Computational predictors indicate that the variant is damaging, evidence that correlates with impact to BRAF function. In support of this prediction, functional studies show constitutively active kinase activity (Rodriguez-Viciana P, et al., PMID: 16439621; Sarkozy A, et al., PMID:19206169; Al-Olabi L, et al., PMID: 29461977). Based on an internally developed protocol informed by the ACMG/AMP guidelines (Richards S et al., PMID: 25741868) and gene-specific practices from the ClinGen Criteria Specification Registry, this variant is classified as pathogenic.

Institute for Genomic Medicine (IGM) Clinical Laboratory, Nationwide Children's Hospital
Classification: Tier I - Strong for Diffuse midline glioma, H3 K27M-mutant. Assertion type: diagnostic. Clinical significance: supports diagnosis. Last evaluated: 2022-12-26. Review status: criteria provided, single submitter. Criteria: AMP/ASCO/CAP Guidelines, 2017. Collection method: clinical testing. Allele origin: somatic. Affected: yes.
Comment: Variant has Tier I (strong) clinical significance as a diagnostic inclusion criterion in diffuse midline glioma, H3 K27M-mutant, based on the following evidence: 1) Documented in one or more cancer databases (e.g., St. Jude Pecan, COSMIC, CIViC, OncoKB). 2) Appears in one or more well-established professional guidelines (e.g., World Health Organization [WHO]; National Comprehensive Cancer Network [NCCN]) as providing diagnostic, prognostic, or therapeutic information. 3) Information in the literature supports potential biologic effect of variant. 4) Diagnostic for a specific tumor type/classification based on well-powered studies with expert-level consensus (Evidence Level B).

Ambry Genetics
Classification: Likely pathogenic for Cardiovascular phenotype. Last evaluated: 2022-05-23. Review status: criteria provided, single submitter. Criteria: Ambry Variant Classification Scheme 2023. Collection method: clinical testing. Allele origin: germline.
Comment: ASSESSED FOR SOMATIC SAMPLE ONLY. FOR ANY GERMLINE INDICATION, PLEASE REASSESS.

CIViC Knowledgebase, Washington University School of Medicine
Classification: Tier I - Strong for Colorectal cancer. Assertion type: prognostic. Clinical significance: poor outcome. Last evaluated: 2019-02-28. Review status: criteria provided, single submitter. Criteria: AMP/ASCO/CAP Guidelines, 2017. Collection method: curation. Allele origin: somatic. Affected: yes.
Comment: BRAF V600E was associated with worse prognosis in Phase II and III colorectal cancer, with a stronger effect in MSI-Low or MSI-Stable tumors. In metastatic CRC, V600E was associated with worse prognosis, and meta-analysis showed BRAF mutation in CRC associated with multiple negative prognostic markers.

Wagner Lab, Nationwide Children's Hospital
Classification: Tier I - Strong for Melanoma. Assertion type: therapeutic. Clinical significance: sensitivity/response. Last evaluated: 2018-11-01. Review status: criteria provided, single submitter. Criteria: AMP/ASCO/CAP Guidelines, 2017. Collection method: curation. Allele origin: somatic.
Comment: Vemurafenib and cobimetinib combination is an FDA approved first line treatment for BRAF V600E mutant metastatic melanoma based on clinical data including the Phase III coBRIM trial. The cobas 4800 BRAF V600 Mutation Test is approved as an FDA companion test for Cotellic (cobimetinib) in combination with Zelboraf (vemurafenib).